The following is an entry in ClinVar:

ClinVar aggregate classification (germline): Uncertain significance (1 of 4 stars; one submission).

Conditions:
Inborn genetic diseases. Identifiers: MedGen C0950123, MeSH D030342.

Submission:

Ambry Genetics
Classification: Uncertain significance for Inborn genetic diseases. Last evaluated: 2023-03-11. Review status: criteria provided, single submitter. Criteria: Ambry Variant Classification Scheme 2023. Collection method: clinical testing. Allele origin: germline.
Comment: The p.Q101R variant (also known as c.302A>G), located in coding exon 3 of the RAD51 gene, results from an A to G substitution at nucleotide position 302. The glutamine at codon 101 is replaced by arginine, an amino acid with highly similar properties. This amino acid position is conserved. In addition, the in silico prediction for this alteration is inconclusive. Since supporting evidence is limited at this time, the clinical significance of this alteration remains unclear.

NM_002875.5(RAD51):c.302A>G (p.Gln101Arg)

Gene: RAD51 (RAD51 recombinase; plus strand). Cytogenetic location: 15q15.1.
Variant type: single nucleotide variant.
Coding change: c.302A>G on transcript NM_002875.5 (MANE Select); coding-DNA position 302, A replaced by G.
Protein change: p.Gln101Arg; replaces glutamine 101 with arginine.
Molecular consequence: missense variant. On other transcripts: intron variant (2).
Genome position (GRCh38, 1-based): chr15:40,706,253, A>G. VCF-style: chr15-40706253-A-G. GRCh37 (hg19) VCF-style: chr15-40998451-A-G.
Other names: c.302A>G, p.Gln101Arg (NM_001164270.2); c.347-2772A>G (NM_133487.4, NM_001164269.2); short protein forms Q101R.
Identifiers: ClinVar variation 2450865 (VCV002450865.2), dbSNP rs2504436741, ClinGen allele CA391749845.
Genomic context (GRCh38, chr15:40,706,253, plus strand): 5'-TAGTTCCAATGGGTTTCACCACTGCAACTGAATTCCACCAAAGGCGGTCAGAGATCATAC[A>G]GATTACTACTGGCTCCAAAGAGCTTGACAAACTACTTCAAGGTGTAGTAATCCTTTATCC-3'
Protein context (NP_002866.2, residues 91-111): EFHQRRSEII[Gln101Arg]ITTGSKELDK